The following is an entry in ClinVar:

NM_004415.4(DSP):c.7776G>T (p.Lys2592Asn)

Gene: DSP (desmoplakin; plus strand). Cytogenetic location: 6p24.3.
Variant type: single nucleotide variant.
Coding change: c.7776G>T on transcript NM_004415.4 (MANE Select); coding-DNA position 7776, G replaced by T.
Protein change: p.Lys2592Asn; replaces lysine 2592 with asparagine.
Molecular consequence: missense variant.
Genome position (GRCh38, 1-based): chr6:7,585,038, G>T. VCF-style: chr6-7585038-G-T. GRCh37 (hg19) VCF-style: chr6-7585271-G-T.
Other names: c.5979G>T, p.Lys1993Asn (NM_001008844.3); c.6447G>T, p.Lys2149Asn (NM_001319034.2); short protein forms K1993N, K2149N, K2592N.
Identifiers: ClinVar variation 4757501 (VCV004757501.1).

ClinVar aggregate classification (germline): Uncertain significance (1 of 4 stars; one submission).

Conditions:
Cardiomyopathy (CMYO). Also called: Cardiomyopathies. Identifiers: Orphanet 167848, MedGen C0878544, MONDO:0004994, HP:0001638. Inheritance: Various modes of inheritance.

Submission:

Color Diagnostics, LLC DBA Color Health
Classification: Uncertain significance for Cardiomyopathy. Last evaluated: 2025-07-08. Review status: criteria provided, single submitter. Criteria: ACMG Guidelines, 2015. Collection method: clinical testing. Allele origin: germline.
Comment: This missense variant replaces lysine with asparagine at codon 2592 of the DSP protein. Computational prediction suggests that this variant may not impact protein structure and function. To our knowledge, functional studies have not been reported for this variant. This variant has not been reported in individuals affected with DSP-related disorders in the literature. This variant has not been identified in the general population by the Genome Aggregation Database (gnomAD). The available evidence is insufficient to determine the role of this variant in disease conclusively. Therefore, this variant is classified as a Variant of Uncertain Significance.